The following is an entry in ClinVar:

NM_001943.5(DSG2):c.1499T>G (p.Ile500Arg)

Gene: DSG2 (desmoglein 2; plus strand). Cytogenetic location: 18q12.1.
Variant type: single nucleotide variant.
Coding change: c.1499T>G on transcript NM_001943.5 (MANE Select); coding-DNA position 1499, T replaced by G.
Protein change: p.Ile500Arg; replaces isoleucine 500 with arginine.
Molecular consequence: missense variant.
Genome position (GRCh38, 1-based): chr18:31,536,277, T>G. VCF-style: chr18-31536277-T-G. GRCh37 (hg19) VCF-style: chr18-29116240-T-G.
Other names: short protein forms I500R.
Identifiers: ClinVar variation 1483366 (VCV001483366.10), dbSNP rs769741655, ClinGen allele CA042665.

ClinVar aggregate classification (germline): Conflicting classifications of pathogenicity. Review status: criteria provided, conflicting classifications (1 of 4 stars). 2 submissions from 2 submitters: Uncertain significance (1); Likely benign (1). Last evaluated 2025-07-13.

Conditions:
Cardiovascular phenotype. Identifiers: MedGen CN230736.
Arrhythmogenic right ventricular dysplasia 10. Also called: Arrhythmogenic Right Ventricular Dysplasia/Cardiomyopathy10; Arrhythmogenic right ventricular dysplasia/cardiomyopathy, type 10; ARRHYTHMOGENIC RIGHT VENTRICULAR DYSPLASIA, FAMILIAL, 10. Identifiers: MedGen C1857777, MONDO:0012434, OMIM 610193.

Allele frequency attached by ClinVar (database versions not stated): gnomAD exomes below 0.00001; ExAC 0.00001.
gnomAD v4.1: 1 of 1,614,232 alleles (0.000062%); highest among the groups gnomAD compares: African/African-American, 0.0013%; no homozygotes.

Submissions (2):

Labcorp Genetics (formerly Invitae), Labcorp
Classification: Uncertain significance for Arrhythmogenic right ventricular dysplasia 10. Last evaluated: 2025-07-13. Review status: criteria provided, single submitter. Criteria: Invitae Variant Classification Sherloc (09022015). Collection method: clinical testing. Allele origin: germline.
Comment: This sequence change replaces isoleucine, which is neutral and non-polar, with arginine, which is basic and polar, at codon 500 of the DSG2 protein (p.Ile500Arg). This variant is present in population databases (rs769741655, gnomAD 0.007%). This variant has not been reported in the literature in individuals affected with DSG2-related conditions. ClinVar contains an entry for this variant (Variation ID: 1483366). Invitae Evidence Modeling of protein sequence and biophysical properties (such as structural, functional, and spatial information, amino acid conservation, physicochemical variation, residue mobility, and thermodynamic stability) indicates that this missense variant is not expected to disrupt DSG2 protein function with a negative predictive value of 95%. In summary, the available evidence is currently insufficient to determine the role of this variant in disease. Therefore, it has been classified as a Variant of Uncertain Significance.

Ambry Genetics
Classification: Likely benign for Cardiovascular phenotype. Last evaluated: 2023-11-01. Review status: criteria provided, single submitter. Criteria: Ambry Variant Classification Scheme 2023. Collection method: clinical testing. Allele origin: germline.